The following is an entry in ClinVar:

ClinVar aggregate classification (germline): Likely pathogenic (1 of 4 stars; one submission).

Submission:

Labcorp Genetics (formerly Invitae), Labcorp
Classification: Likely pathogenic. Last evaluated: 2023-11-27. Review status: criteria provided, single submitter. Criteria: Invitae Variant Classification Sherloc (09022015). Collection method: clinical testing. Allele origin: germline.
Comment: This sequence change affects a donor splice site in intron 2 of the KISS1R gene. It is expected to disrupt RNA splicing. Variants that disrupt the donor or acceptor splice site typically lead to a loss of protein function (PMID: 16199547), and loss-of-function variants in KISS1R are known to be pathogenic (PMID: 20371656, 22619348). This variant is not present in population databases (gnomAD no frequency). This variant has not been reported in the literature in individuals affected with KISS1R-related conditions. ClinVar contains an entry for this variant (Variation ID: 1996429). Algorithms developed to predict the effect of sequence changes on RNA splicing suggest that this variant may disrupt the consensus splice site. In summary, the currently available evidence indicates that the variant is pathogenic, but additional data are needed to prove that conclusively. Therefore, this variant has been classified as Likely Pathogenic.

Literature cited by the submitters: PubMed 16199547; PubMed 20371656; PubMed 22619348.

NM_032551.5(KISS1R):c.369+1G>T

Gene: KISS1R (KISS1 receptor; plus strand). Cytogenetic location: 19p13.3.
Variant type: single nucleotide variant.
Coding change: c.369+1G>T on transcript NM_032551.5 (MANE Select); the canonical splice donor site of the intron after coding-DNA position 369, G replaced by T.
Molecular consequence: splice donor variant.
Genome position (GRCh38, 1-based): chr19:918,669, G>T. VCF-style: chr19-918669-G-T. GRCh37 (hg19) VCF-style: chr19-918669-G-T.
Identifiers: ClinVar variation 1996429 (VCV001996429.4), dbSNP rs2512282556, ClinGen allele CA402914085.
Genomic context (GRCh38, chr19:918,669, plus strand): 5'-CCGCTGCCCGGCTGGGTGCTGGGCGACTTCATGTGCAAGTTCGTCAACTACATCCAGCAG[G>T]TGCGCTCCGGAGCAGGAGGGGAGAGGGCGCACTTGGGGACGGGCGGGGGTGCGCTCCGCA-3'